The following is an entry in ClinVar:

ClinVar aggregate classification (germline): Uncertain significance (1 of 4 stars; one submission).

gnomAD v4.1: 56 of 1,613,860 alleles (0.0035%); highest among the groups gnomAD compares: Non-Finnish European, 0.0047%; no homozygotes.

Submission:

Labcorp Genetics (formerly Invitae), Labcorp
Classification: Uncertain significance. Last evaluated: 2025-02-17. Review status: criteria provided, single submitter. Criteria: Invitae Variant Classification Sherloc (09022015). Collection method: clinical testing. Allele origin: germline.
Comment: This sequence change falls in intron 11 of the CDC6 gene. It does not directly change the encoded amino acid sequence of the CDC6 protein. It affects a nucleotide within the consensus splice site. This variant is present in population databases (rs776643507, gnomAD 0.0009%). This variant has not been reported in the literature in individuals affected with CDC6-related conditions. Variants that disrupt the consensus splice site are a relatively common cause of aberrant splicing (PMID: 17576681, 9536098). Algorithms developed to predict the effect of sequence changes on RNA splicing suggest that this variant is not likely to affect RNA splicing. In summary, the available evidence is currently insufficient to determine the role of this variant in disease. Therefore, it has been classified as a Variant of Uncertain Significance.

Literature cited by the submitters: PubMed 17576681; PubMed 9536098.

NM_001254.4(CDC6):c.1593+6A>G

Gene: CDC6 (cell division cycle 6; plus strand). Cytogenetic location: 17q21.2.
Variant type: single nucleotide variant.
Coding change: c.1593+6A>G on transcript NM_001254.4 (MANE Select); 6 bases into the intron after coding-DNA position 1593, A replaced by G.
Molecular consequence: intron variant.
Genome position (GRCh38, 1-based): chr17:40,301,614, A>G. VCF-style: chr17-40301614-A-G. GRCh37 (hg19) VCF-style: chr17-38457866-A-G.
Identifiers: ClinVar variation 4709307 (VCV004709307.1).